The following is an entry in ClinVar:

NM_002900.3(RBP3):c.1186C>G (p.Pro396Ala)

Gene: RBP3 (retinol binding protein 3; plus strand). Cytogenetic location: 10q11.22.
Variant type: single nucleotide variant.
Coding change: c.1186C>G on transcript NM_002900.3 (MANE Select); coding-DNA position 1186, C replaced by G.
Protein change: p.Pro396Ala; replaces proline 396 with alanine.
Molecular consequence: missense variant.
Genome position (GRCh38, 1-based): chr10:47,349,670, C>G. VCF-style: chr10-47349670-C-G. GRCh37 (hg19) VCF-style: chr10-48389692-G-C.
Other names: short protein forms P396A.
Identifiers: ClinVar variation 1018402 (VCV001018402.7), dbSNP rs369177969, ClinGen allele CA5487586.

ClinVar aggregate classification (germline): Uncertain significance. Review status: criteria provided, multiple submitters, no conflicts (2 of 4 stars). 2 submissions from 2 submitters: Uncertain significance (2). Last evaluated 2026-01-05.

Allele frequency attached by ClinVar (database versions not stated): gnomAD exomes 0.00002; ExAC 0.00003; ESP Exome Variant Server 0.00008; TOPMed 0.00008; gnomAD 0.00009; 1000 Genomes Project 30x 0.00016; 1000 Genomes Project 0.00020.
gnomAD v4.1: 21 of 1,611,940 alleles (0.0013%); highest among the groups gnomAD compares: African/African-American, 0.027%; no homozygotes.

Submissions (2):

Labcorp Genetics (formerly Invitae), Labcorp
Classification: Uncertain significance. Last evaluated: 2026-01-05. Review status: criteria provided, single submitter. Criteria: Invitae Variant Classification Sherloc (09022015). Collection method: clinical testing. Allele origin: germline.
Comment: This sequence change replaces proline, which is neutral and non-polar, with alanine, which is neutral and non-polar, at codon 396 of the RBP3 protein (p.Pro396Ala). This variant is present in population databases (rs369177969, gnomAD 0.03%). This variant has not been reported in the literature in individuals affected with RBP3-related conditions. ClinVar contains an entry for this variant (Variation ID: 1018402). An algorithm developed to predict the effect of missense changes on protein structure and function (PolyPhen-2) suggests that this variant is likely to be tolerated. In summary, the available evidence is currently insufficient to determine the role of this variant in disease. Therefore, it has been classified as a Variant of Uncertain Significance.

Breakthrough Genomics
Classification: Uncertain significance. Review status: criteria provided, single submitter. Criteria: ACMG Guidelines, 2015. Collection method: not provided. Allele origin: germline. Inheritance: Autosomal recessive inheritance. Affected: yes.